The following is an entry in ClinVar:

NM_001379500.1(COL18A1):c.1954del (p.Ala652fs)

Gene: COL18A1 (collagen type XVIII alpha 1 chain; plus strand). Cytogenetic location: 21q22.3.
Variant type: Deletion.
Coding change: c.1954del on transcript NM_001379500.1 (MANE Select); coding-DNA position 1954, one base deleted (G; older notation c.1954delG).
Protein change: p.Ala652fs; shifts the reading frame from alanine 652.
Molecular consequence: frameshift variant.
Genome position (GRCh38, 1-based): chr21:45,489,516, G deleted; the last of 5 consecutive G bases (chr21:45,489,512-45,489,516); deleting any one gives the same sequence. VCF-style (leftmost placement, unchanged base first): chr21-45489511-CG-C. GRCh37 (hg19) VCF-style: chr21-46909425-CG-C.
Other names: c.2494del, p.Ala832fs (NM_030582.4); c.3199del, p.Ala1067fs (NM_130444.3); short protein forms A1067fs, A832fs, A652fs.
Identifiers: ClinVar variation 2118430 (VCV002118430.4), dbSNP rs2517671009, ClinGen allele CA645603260.

ClinVar aggregate classification (germline): Pathogenic (1 of 4 stars; one submission).

Submission:

Labcorp Genetics (formerly Invitae), Labcorp
Classification: Pathogenic. Last evaluated: 2022-03-28. Review status: criteria provided, single submitter. Criteria: Invitae Variant Classification Sherloc (09022015). Collection method: clinical testing. Allele origin: germline.
Comment: For these reasons, this variant has been classified as Pathogenic. This variant has not been reported in the literature in individuals affected with COL18A1-related conditions. This variant is not present in population databases (gnomAD no frequency). This sequence change creates a premature translational stop signal (p.Ala652Argfs*72) in the COL18A1 gene. It is expected to result in an absent or disrupted protein product. Loss-of-function variants in COL18A1 are known to be pathogenic (PMID: 12415512, 25456301).

Literature cited by the submitters: PubMed 12415512; PubMed 25456301.